The following is an entry in ClinVar:

NM_032119.4(ADGRV1):c.17355A>G (p.Ile5785Met)

Gene: ADGRV1 (adhesion G protein-coupled receptor V1; plus strand). Cytogenetic location: 5q14.3.
Variant type: single nucleotide variant.
Coding change: c.17355A>G on transcript NM_032119.4 (MANE Select); coding-DNA position 17355, A replaced by G.
Protein change: p.Ile5785Met; replaces isoleucine 5785 with methionine.
Molecular consequence: missense variant. On other transcripts: non-coding transcript variant (1).
Genome position (GRCh38, 1-based): chr5:90,853,434, A>G. VCF-style: chr5-90853434-A-G. GRCh37 (hg19) VCF-style: chr5-90149251-A-G.
Other names: short protein forms I5785M.
Identifiers: ClinVar variation 972331 (VCV000972331.9), dbSNP rs915050960, ClinGen allele CA122809805.

ClinVar aggregate classification (germline): Uncertain significance. Review status: criteria provided, multiple submitters, no conflicts (2 of 4 stars). 2 submissions from 2 submitters: Uncertain significance (2). Last evaluated 2025-11-07.

Conditions:
Inborn genetic diseases. Identifiers: MedGen C0950123, MeSH D030342.

Allele frequency attached by ClinVar (database versions not stated): gnomAD exomes 0.00001 and below 0.00001; gnomAD 0.00002; TOPMed 0.00004.

Submissions (2):

Ambry Genetics
Classification: Uncertain significance for Inborn genetic diseases. Last evaluated: 2025-11-07. Review status: criteria provided, single submitter. Criteria: Ambry Variant Classification Scheme 2023. Collection method: clinical testing. Allele origin: germline.

Labcorp Genetics (formerly Invitae), Labcorp
Classification: Uncertain significance. Last evaluated: 2024-10-21. Review status: criteria provided, single submitter. Criteria: Invitae Variant Classification Sherloc (09022015). Collection method: clinical testing. Allele origin: germline.
Comment: This sequence change replaces isoleucine, which is neutral and non-polar, with methionine, which is neutral and non-polar, at codon 5785 of the ADGRV1 protein (p.Ile5785Met). This variant is present in population databases (no rsID available, gnomAD 0.01%). This variant has not been reported in the literature in individuals affected with ADGRV1-related conditions. ClinVar contains an entry for this variant (Variation ID: 972331). An algorithm developed to predict the effect of missense changes on protein structure and function outputs the following: PolyPhen-2: "Benign". The methionine amino acid residue is found in multiple mammalian species, which suggests that this missense change does not adversely affect protein function. In summary, the available evidence is currently insufficient to determine the role of this variant in disease. Therefore, it has been classified as a Variant of Uncertain Significance.